The following is an entry in ClinVar:

ClinVar aggregate classification (germline): Benign. Review status: criteria provided, multiple submitters, no conflicts (2 of 4 stars). 7 submissions from 6 submitters: Benign (7). Last evaluated 2026-02-01.

Conditions:
Kidney disorder. Also called: Nephropathy; renal disorder; renal disease; Kidney disease; Kidney Diseases. Identifiers: MedGen C0022658, MONDO:0005240, HP:0000112.
Nephronophthisis. Also called: Juvenile Nephronophthisis. Identifiers: Orphanet 655, MedGen C0687120, MONDO:0019005, HP:0000090.
Senior-Loken syndrome 4 (SLSN4). Identifiers: Orphanet 3156, MedGen C1846979, MONDO:0011756, OMIM 606996.
Nephronophthisis 4 (NPHP4). Also called: NEPHRONOPHTHISIS 4, JUVENILE. Identifiers: Orphanet 655, MedGen C1847013, MONDO:0011752, OMIM 606966.

Allele frequency attached by ClinVar (database versions not stated): gnomAD exomes 0.00395; gnomAD 0.01637 and 0.01536; TOPMed 0.01664; 1000 Genomes Project 0.02117; ExAC 0.01398; ESP Exome Variant Server 0.01475; 1000 Genomes Project 30x 0.02280.
gnomAD v4.1: 4,445 of 1,472,948 alleles (0.3%); highest among the groups gnomAD compares: African/African-American, 5.4%; 107 homozygotes.

Submissions (7):

Labcorp Genetics (formerly Invitae), Labcorp
Classification: Benign for Nephronophthisis. Last evaluated: 2026-02-01. Review status: criteria provided, single submitter. Criteria: Invitae Variant Classification Sherloc (09022015). Collection method: clinical testing. Allele origin: germline.

Mayo Clinic Laboratories, Mayo Clinic
Classification: Benign. Last evaluated: 2022-11-26. Review status: criteria provided, single submitter. Criteria: ACMG Guidelines, 2015. Collection method: clinical testing. Allele origin: germline. Observed: 15 variant alleles.

Genome Diagnostics Laboratory, The Hospital for Sick Children
Classification: Benign for Kidney disorder. Last evaluated: 2022-01-07. Review status: criteria provided, single submitter. Criteria: ACMG Guidelines, 2015. Collection method: clinical testing. Allele origin: germline.

Illumina Laboratory Services, Illumina
Classification: Benign for Senior-Loken syndrome 4. Last evaluated: 2018-01-12. Review status: criteria provided, single submitter. Criteria: ICSL Variant Classification Criteria 13 December 2019. Collection method: clinical testing. Allele origin: germline.
Comment: This variant was observed in the ICSL laboratory as part of a predisposition screen in an ostensibly healthy population. It had not been previously curated by ICSL or reported in the Human Gene Mutation Database (HGMD: prior to June 1st, 2018), and was therefore a candidate for classification through an automated scoring system. Utilizing variant allele frequency, disease prevalence and penetrance estimates, and inheritance mode, an automated score was calculated to assess if this variant is too frequent to cause the disease. Based on the score and internal cut-off values, a variant classified as benign is not then subjected to further curation. The score for this variant resulted in a classification of benign for this disease.

Illumina Laboratory Services, Illumina
Classification: Benign for Nephronophthisis 4. Last evaluated: 2018-01-12. Review status: criteria provided, single submitter. Criteria: ICSL Variant Classification Criteria 13 December 2019. Collection method: clinical testing. Allele origin: germline.
Comment: the same text as in the submission from Illumina Laboratory Services, Illumina above.

Eurofins Ntd Llc (ga)
Classification: Benign. Last evaluated: 2013-01-09. Review status: criteria provided, single submitter. Criteria: EGL Classification Definitions 2015. Collection method: clinical testing. Allele origin: germline. Observed: 2 variant alleles, 2 heterozygotes.

Breakthrough Genomics
Classification: Benign. Review status: criteria provided, single submitter. Criteria: ACMG Guidelines, 2015. Collection method: not provided. Allele origin: germline. Inheritance: Autosomal recessive inheritance. Affected: yes.

NM_015102.5(NPHP4):c.1611+9C>T

Gene: NPHP4 (nephrocystin 4; minus strand). Cytogenetic location: 1p36.31.
Variant type: single nucleotide variant.
Coding change: c.1611+9C>T on transcript NM_015102.5 (MANE Select); 9 bases into the intron after coding-DNA position 1611, C replaced by T.
Molecular consequence: intron variant.
Genome position (GRCh38, 1-based): chr1:5,907,106, G>A on the plus strand (C>T on the coding strand, the complement: NPHP4 is on the minus strand). VCF-style: chr1-5907106-G-A. GRCh37 (hg19) VCF-style: chr1-5967166-G-A.
Other names: p.?; c.76-1323C>T (NM_001291594.2); c.76-1326C>T (NM_001291593.2).
Identifiers: ClinVar variation 95672 (VCV000095672.24), dbSNP rs114900019, ClinGen allele CA148734.